The following is an entry in ClinVar:

NM_001330574.2(ZNF711):c.237G>A (p.Glu79=)

Gene: ZNF711 (ZFX family zinc finger ZNF711; plus strand). Cytogenetic location: Xq21.1.
Variant type: single nucleotide variant.
Coding change: c.237G>A on transcript NM_001330574.2 (MANE Select); coding-DNA position 237, G replaced by A.
Protein change: p.Glu79=; no amino-acid change (glutamic acid 79 retained).
Molecular consequence: synonymous variant.
Genome position (GRCh38, 1-based): chrX:85,255,416, G>A. VCF-style: chrX-85255416-G-A. GRCh37 (hg19) VCF-style: chrX-84510422-G-A.
Other names: c.237G>A, p.Glu79= (NM_001375431.1, NM_001375432.1, NM_001375433.1 and 5 more transcripts).
Identifiers: ClinVar variation 3026030 (VCV003026030.22), dbSNP rs757870715, ClinGen allele CA10464599.

ClinVar aggregate classification (germline): Likely benign (1 of 4 stars; one submission).

Allele frequency attached by ClinVar (database versions not stated): TOPMed 0.00003; gnomAD 0.00006; gnomAD exomes 0.00014; ExAC 0.00016; 1000 Genomes Project 30x 0.00021; 1000 Genomes Project 0.00026.

Submission:

CeGaT Center for Human Genetics Tuebingen
Classification: Likely benign. Last evaluated: 2024-05-01. Review status: criteria provided, single submitter. Criteria: CeGaT Center For Human Genetics Tuebingen Variant Classification Criteria Version 2. Collection method: clinical testing. Allele origin: germline. Affected: yes. Observed: 2 variant alleles.
Comment: ZNF711: BP4, BP7, BS2